The following is an entry in ClinVar:

ClinVar aggregate classification (germline): Uncertain significance (1 of 4 stars; one submission).

Conditions:
Hereditary cancer-predisposing syndrome. Also called: Neoplastic Syndromes, Hereditary; Tumor predisposition; Hereditary Cancer Syndrome; Hereditary neoplastic syndrome. Identifiers: Orphanet 140162, MedGen C0027672, MeSH D009386, MONDO:0015356.

Allele frequency attached by ClinVar (database versions not stated): gnomAD exomes 0.00001.

Submission:

Ambry Genetics
Classification: Uncertain significance for Hereditary cancer-predisposing syndrome. Last evaluated: 2024-02-05. Review status: criteria provided, single submitter. Criteria: Ambry Variant Classification Scheme 2023. Collection method: clinical testing. Allele origin: germline.
Comment: The p.V2483A variant (also known as c.7448T>C), located in coding exon 15 of the APC gene, results from a T to C substitution at nucleotide position 7448. The valine at codon 2483 is replaced by alanine, an amino acid with similar properties. This amino acid position is well conserved in available vertebrate species. In addition, in silico predictors for this gene do not accurately predict pathogenicity. Since supporting evidence is limited at this time, the clinical significance of this alteration remains unclear.

NM_000038.6(APC):c.7448T>C (p.Val2483Ala)

Gene: APC (APC regulator of Wnt signaling pathway; plus strand). Cytogenetic location: 5q22.2.
Variant type: single nucleotide variant.
Coding change: c.7448T>C on transcript NM_000038.6 (MANE Select); coding-DNA position 7448, T replaced by C.
Protein change: p.Val2483Ala; replaces valine 2483 with alanine.
Molecular consequence: missense variant.
Genome position (GRCh38, 1-based): chr5:112,843,042, T>C. VCF-style: chr5-112843042-T-C. GRCh37 (hg19) VCF-style: chr5-112178739-T-C.
Other names: c.7448T>C, p.Val2483Ala (NM_001127510.3, NM_001354895.2, NM_001407450.1); c.7394T>C, p.Val2465Ala (NM_001127511.3); c.7502T>C, p.Val2501Ala (NM_001354896.2, NM_001407447.1, NM_001407448.1 and 1 more transcripts); c.7478T>C, p.Val2493Ala (NM_001354897.2); c.7373T>C, p.Val2458Ala (NM_001354898.2); c.7364T>C, p.Val2455Ala (NM_001354899.2); c.7325T>C, p.Val2442Ala (NM_001354900.2); c.7271T>C, p.Val2424Ala (NM_001354901.2, NM_001407453.1); and 11 more; short protein forms V2323A, V2382A, V2392A, V2483A, V2354A, V2357A, V2424A, V2458A.
Identifiers: ClinVar variation 1758948 (VCV001758948.2), dbSNP rs2149987240, ClinGen allele CA16037539.
Genomic context (GRCh38, chr5:112,843,042, plus strand): 5'-AATCTCTTTCTCCATCATCTAGACCAGCTTCTCCCACTAGGTCCCAGGCACAAACTCCAG[T>C]TTTAAGTCCTTCCCTTCCTGATATGTCTCTATCCACACATTCGTCTGTTCAGGCTGGTGG-3'
Protein context (NP_000029.2, residues 2473-2493): SPTRSQAQTP[Val2483Ala]LSPSLPDMSL